The following is an entry in ClinVar:

ClinVar aggregate classification (germline): Likely benign. Review status: criteria provided, multiple submitters, no conflicts (2 of 4 stars). 2 submissions from 2 submitters: Likely benign (2). Last evaluated 2023-06-26.

Conditions:
Ehlers-Danlos syndrome, type 4 (EDSVASC). Also called: Ehlers-Danlos Syndrome Type IV; Ehlers-Danlos syndrome vascular type; Ehlers Danlos syndrome, ecchymotic type; Ehlers Danlos syndrome, arterial type; Ehlers Danlos syndrome, Sack-Barabas type. Identifiers: Orphanet 286, MedGen C0268338, MONDO:0017314, OMIM 130050.
Familial thoracic aortic aneurysm and aortic dissection (TAAD). Also called: Thoracic aortic aneurysms and dissections. Identifiers: Orphanet 91387, MedGen C4707243, MONDO:0019625.

Submissions (2):

All of Us Research Program, National Institutes of Health
Classification: Likely benign for Ehlers-Danlos syndrome, type 4. Last evaluated: 2023-06-26. Review status: criteria provided, single submitter. Criteria: ACMG Guidelines, 2015. Collection method: clinical testing. Allele origin: germline. Inheritance: Autosomal dominant inheritance. Observed: 2 variant alleles, 2 heterozygotes.
Comment: This study involves interpretation of variants in research participants for the purpose of population health screening. Participant phenotype was not available at the time of variant classification. Additional details can be found in publication PMID: 35346344, PMCID: PMC8962531

Color Diagnostics, LLC DBA Color Health
Classification: Likely benign for Familial thoracic aortic aneurysm and aortic dissection. Last evaluated: 2021-07-26. Review status: criteria provided, single submitter. Criteria: ACMG Guidelines, 2015. Collection method: clinical testing. Allele origin: germline.

NM_000090.4(COL3A1):c.627T>A (p.Ala209=)

Gene: COL3A1 (collagen type III alpha 1 chain; plus strand). Cytogenetic location: 2q32.2.
Variant type: single nucleotide variant.
Coding change: c.627T>A on transcript NM_000090.4 (MANE Select); coding-DNA position 627, T replaced by A.
Protein change: p.Ala209=; no amino-acid change (alanine 209 retained).
Molecular consequence: synonymous variant.
Genome position (GRCh38, 1-based): chr2:188,988,634, T>A. VCF-style: chr2-188988634-T-A. GRCh37 (hg19) VCF-style: chr2-189853360-T-A.
Identifiers: ClinVar variation 2775092 (VCV002775092.3), dbSNP rs1370947750, ClinGen allele CA430308972.